The following is an entry in ClinVar:

NM_000052.7(ATP7A):c.706_707insTC (p.Ala236fs)

Gene: ATP7A (ATPase copper transporting alpha; plus strand). Cytogenetic location: Xq21.1.
Variant type: Insertion.
Coding change: c.706_707insTC on transcript NM_000052.7 (MANE Select); coding-DNA positions 706 to 707, TC inserted.
Protein change: p.Ala236fs; shifts the reading frame from alanine 236.
Molecular consequence: frameshift variant.
Genome position: GRCh38 VCF-style: chrX-77989328-G-GTC. GRCh37 (hg19) VCF-style: chrX-77244824-G-GTC.
Other names: c.706_707insTC, p.Ala236fs (NM_001282224.2); short protein forms A236fs.
Identifiers: ClinVar variation 1726238 (VCV001726238.3), dbSNP rs2522292860, ClinGen allele CA2580101456.

ClinVar aggregate classification (germline): Likely pathogenic (1 of 4 stars; one submission).

Conditions:
Menkes kinky-hair syndrome (MNK). Also called: Copper transport disease; Classic Menkes Disease; Menkes Disease. Identifiers: Orphanet 565, MedGen C0022716, MONDO:0010651, OMIM 309400.

Submission:

Myriad Genetics, Inc.
Classification: Likely pathogenic for Menkes kinky-hair syndrome. Last evaluated: 2022-05-30. Review status: criteria provided, single submitter. Criteria: Myriad Autosomal Dominant, Autosomal Recessive and X-Linked Classification Criteria (2023). Collection method: clinical testing. Allele origin: unknown.
Comment: NM_000052.5(ATP7A):c.706_707insTC(A236Vfs*18) is expected to be pathogenic in the context of ATP7A-related disorders. This variant is predicted to lead to an abnormal or absent protein product due to the creation of a premature termination codon in ATP7A, a gene where loss-of-function variants are known to be pathogenic. Please note: this variant was assessed in the context of healthy population screening.